The following is an entry in ClinVar:

NM_024411.5(PDYN):c.520C>T (p.Arg174Cys)

Genes: PDYN-AS1 (PDYN antisense RNA 1; plus strand), PDYN (prodynorphin; minus strand). Cytogenetic location: 20p13.
Variant type: single nucleotide variant.
Coding change: c.520C>T on transcript NM_024411.5 (MANE Select); coding-DNA position 520, C replaced by T.
Protein change: p.Arg174Cys; replaces arginine 174 with cysteine.
Molecular consequence: missense variant.
Genome position (GRCh38, 1-based): chr20:1,980,568, G>A on the plus strand (C>T on the coding strand, the complement: PDYN is on the minus strand). VCF-style: chr20-1980568-G-A. GRCh37 (hg19) VCF-style: chr20-1961214-G-A.
Other names: c.520C>T, p.Arg174Cys (NM_001190892.1, NM_001190898.3, NM_001190899.2 and 1 more transcripts); short protein forms R174C.
Identifiers: ClinVar variation 337836 (VCV000337836.13), dbSNP rs567558964, ClinGen allele CA9730284.

ClinVar aggregate classification (germline): Conflicting classifications of pathogenicity. Review status: criteria provided, conflicting classifications (1 of 4 stars). 3 submissions from 3 submitters: Uncertain significance (1); Likely benign (2). Last evaluated 2022-12-03.

Conditions:
Spinocerebellar ataxia type 23 (SCA23). Identifiers: Orphanet 101108, MedGen C1853250, MONDO:0012449, OMIM 610245.

Allele frequency attached by ClinVar (database versions not stated): TOPMed 0.00003; ExAC 0.00004; gnomAD exomes 0.00004 and 0.00008; gnomAD 0.00006 and 0.00007; 1000 Genomes Project 30x 0.00031; 1000 Genomes Project 0.00040.
gnomAD v4.1: 133 of 1,614,074 alleles (0.0082%); highest among the groups gnomAD compares: Non-Finnish European, 0.01%; no homozygotes.

Submissions (3):

Labcorp Genetics (formerly Invitae), Labcorp
Classification: Uncertain significance. Last evaluated: 2022-12-03. Review status: criteria provided, single submitter. Criteria: Invitae Variant Classification Sherloc (09022015). Collection method: clinical testing. Allele origin: germline.
Comment: This sequence change replaces arginine, which is basic and polar, with cysteine, which is neutral and slightly polar, at codon 174 of the PDYN protein (p.Arg174Cys). This variant is present in population databases (rs567558964, gnomAD 0.02%). In summary, the available evidence is currently insufficient to determine the role of this variant in disease. Therefore, it has been classified as a Variant of Uncertain Significance. Advanced modeling of protein sequence and biophysical properties (such as structural, functional, and spatial information, amino acid conservation, physicochemical variation, residue mobility, and thermodynamic stability) performed at Invitae indicates that this missense variant is expected to disrupt PDYN protein function. ClinVar contains an entry for this variant (Variation ID: 337836). This variant has not been reported in the literature in individuals affected with PDYN-related conditions.

Athena Diagnostics
Classification: Likely benign. Last evaluated: 2021-04-08. Review status: criteria provided, single submitter. Criteria: Athena Diagnostics criteria. Collection method: clinical testing. Allele origin: unknown.

Illumina Laboratory Services, Illumina
Classification: Likely benign for Spinocerebellar ataxia type 23. Last evaluated: 2018-01-12. Review status: criteria provided, single submitter. Criteria: ICSL Variant Classification Criteria 13 December 2019. Collection method: clinical testing. Allele origin: germline.
Comment: This variant was observed in the ICSL laboratory as part of a predisposition screen in an ostensibly healthy population. It had not been previously curated by ICSL or reported in the Human Gene Mutation Database (HGMD: prior to June 1st, 2018), and was therefore a candidate for classification through an automated scoring system. Utilizing variant allele frequency, disease prevalence and penetrance estimates, and inheritance mode, an automated score was calculated to assess if this variant is too frequent to cause the disease. Based on the score and internal cut-off values, a variant classified as likely benign is not then subjected to further curation. The score for this variant resulted in a classification of likely benign for this disease.